The following is an entry in ClinVar:

NM_000368.5(TSC1):c.2153G>A (p.Arg718Gln)

Gene: TSC1 (TSC complex subunit 1; minus strand). Cytogenetic location: 9q34.13.
Variant type: single nucleotide variant.
Coding change: c.2153G>A on transcript NM_000368.5 (MANE Select); coding-DNA position 2153, G replaced by A.
Protein change: p.Arg718Gln; replaces arginine 718 with glutamine.
Molecular consequence: missense variant.
Genome position (GRCh38, 1-based): chr9:132,903,706, C>T on the plus strand (G>A on the coding strand, the complement: TSC1 is on the minus strand). VCF-style: chr9-132903706-C-T. GRCh37 (hg19) VCF-style: chr9-135779093-C-T.
Other names: c.2150G>A, p.Arg717Gln (NM_001162426.2); c.2000G>A, p.Arg667Gln (NM_001162427.2); c.1790G>A, p.Arg597Gln (NM_001362177.2); short protein forms R718Q, R667Q, R717Q, R597Q.
Identifiers: ClinVar variation 411245 (VCV000411245.17), dbSNP rs1060503207, ClinGen allele CA16612632.

ClinVar aggregate classification (germline): Uncertain significance. Review status: criteria provided, multiple submitters, no conflicts (2 of 4 stars). 6 submissions from 6 submitters: Uncertain significance (6). Last evaluated 2025-11-23.

Conditions:
TSC1-related disorder. Also called: TSC1-related condition.
Hereditary cancer-predisposing syndrome. Also called: Neoplastic Syndromes, Hereditary; Tumor predisposition; Hereditary Cancer Syndrome; Hereditary neoplastic syndrome. Identifiers: Orphanet 140162, MedGen C0027672, MeSH D009386, MONDO:0015356.
Tuberous sclerosis syndrome (TSC). Also called: Tuberous Sclerosis Complex; Tuberous sclerosis. Identifiers: Orphanet 805, MedGen C0041341, MONDO:0001734.
Isolated focal cortical dysplasia type II (FCORD2). Also called: Focal cortical dysplasia type II; CORTICAL DYSPLASIA OF TAYLOR. Identifiers: Orphanet 268994, MedGen C1846385, MONDO:0011818, OMIM 607341, HP:0032051.
Tuberous sclerosis 1 (TSC1). Identifiers: Orphanet 805, MedGen C1854465, MONDO:0008612, OMIM 191100.

Allele frequency attached by ClinVar (database versions not stated): gnomAD exomes below 0.00001.
gnomAD v4.1: 1 of 1,613,024 alleles (0.000062%); highest among the groups gnomAD compares: Non-Finnish European, 0.000085%; no homozygotes.

Submissions (6):

PreventionGenetics, part of Exact Sciences
Classification: Uncertain significance for TSC1-related condition. Last evaluated: 2025-11-23. Review status: criteria provided, single submitter. Criteria: ACMG Guidelines, 2015. Collection method: clinical testing. Allele origin: germline.
Comment: The TSC1 c.2153G>A variant is predicted to result in the amino acid substitution p.Arg718Gln. To our knowledge, this variant has not been reported in the literature or in a large population database (gnomAD), indicating this variant is rare. This variant has an interpretation of uncertain significance in ClinVar (Variation ID: 411245). At this time, the clinical significance of this variant is uncertain due to the absence of conclusive functional and genetic evidence.

Ambry Genetics
Classification: Uncertain significance for Hereditary cancer-predisposing syndrome. Last evaluated: 2025-10-17. Review status: criteria provided, single submitter. Criteria: Ambry Variant Classification Scheme 2023. Collection method: clinical testing. Allele origin: germline.
Comment: The p.R718Q variant (also known as c.2153G>A), located in coding exon 15 of the TSC1 gene, results from a G to A substitution at nucleotide position 2153. The arginine at codon 718 is replaced by glutamine, an amino acid with highly similar properties. This amino acid position is highly conserved in available vertebrate species. In addition, this alteration is predicted to be deleterious by in silico analysis. Based on the available evidence, the clinical significance of this variant remains unclear.

Labcorp Genetics (formerly Invitae), Labcorp
Classification: Uncertain significance for Tuberous sclerosis 1. Last evaluated: 2024-11-07. Review status: criteria provided, single submitter. Criteria: Invitae Variant Classification Sherloc (09022015). Collection method: clinical testing. Allele origin: germline.
Comment: This sequence change replaces arginine, which is basic and polar, with glutamine, which is neutral and polar, at codon 718 of the TSC1 protein (p.Arg718Gln). This variant is not present in population databases (gnomAD no frequency). This variant has not been reported in the literature in individuals affected with TSC1-related conditions. ClinVar contains an entry for this variant (Variation ID: 411245). Invitae Evidence Modeling of protein sequence and biophysical properties (such as structural, functional, and spatial information, amino acid conservation, physicochemical variation, residue mobility, and thermodynamic stability) indicates that this missense variant is not expected to disrupt TSC1 protein function with a negative predictive value of 95%. In summary, the available evidence is currently insufficient to determine the role of this variant in disease. Therefore, it has been classified as a Variant of Uncertain Significance.

All of Us Research Program, National Institutes of Health
Classification: Uncertain significance for Tuberous sclerosis syndrome. Last evaluated: 2024-03-05. Review status: criteria provided, single submitter. Criteria: ACMG Guidelines, 2015. Collection method: clinical testing. Allele origin: germline. Inheritance: Autosomal dominant inheritance. Observed: 2 variant alleles, 2 heterozygotes.
Comment: This study involves interpretation of variants in research participants for the purpose of population health screening. Participant phenotype was not available at the time of variant classification. Additional details can be found in publication PMID: 35346344, PMCID: PMC8962531

GeneDx
Classification: Uncertain significance. Last evaluated: 2023-10-24. Review status: criteria provided, single submitter. Criteria: GeneDx Variant Classification Process June 2021. Collection method: clinical testing. Allele origin: germline. Affected: yes.
Comment: Not observed at significant frequency in large population cohorts (gnomAD); In silico analysis supports that this missense variant has a deleterious effect on protein structure/function; Has not been previously published as pathogenic or benign to our knowledge

Baylor Genetics
Classification: Uncertain significance for Isolated focal cortical dysplasia type II. Last evaluated: 2023-09-21. Review status: criteria provided, single submitter. Criteria: ACMG Guidelines, 2015. Collection method: clinical testing. Allele origin: unknown.